The following is an entry in ClinVar:

ClinVar aggregate classification (germline): Uncertain significance (1 of 4 stars; one submission).

Allele frequency attached by ClinVar (database versions not stated): TOPMed below 0.00001; ExAC 0.00001; gnomAD 0.00001.

Submission:

Labcorp Genetics (formerly Invitae), Labcorp
Classification: Uncertain significance. Last evaluated: 2024-10-25. Review status: criteria provided, single submitter. Criteria: Invitae Variant Classification Sherloc (09022015). Collection method: clinical testing. Allele origin: germline.
Comment: This sequence change replaces proline, which is neutral and non-polar, with serine, which is neutral and polar, at codon 110 of the KMT2A protein (p.Pro110Ser). This variant is present in population databases (rs782593902, gnomAD 0.007%). This variant has not been reported in the literature in individuals affected with KMT2A-related conditions. Invitae Evidence Modeling of protein sequence and biophysical properties (such as structural, functional, and spatial information, amino acid conservation, physicochemical variation, residue mobility, and thermodynamic stability) has been performed for this missense variant. However, the output from this modeling did not meet the statistical confidence thresholds required to predict the impact of this variant on KMT2A protein function. In summary, the available evidence is currently insufficient to determine the role of this variant in disease. Therefore, it has been classified as a Variant of Uncertain Significance.

NM_001197104.2(KMT2A):c.328C>T (p.Pro110Ser)

Gene: KMT2A (lysine methyltransferase 2A; plus strand). Cytogenetic location: 11q23.3.
Variant type: single nucleotide variant.
Coding change: c.328C>T on transcript NM_001197104.2 (MANE Select); coding-DNA position 328, C replaced by T.
Protein change: p.Pro110Ser; replaces proline 110 with serine.
Molecular consequence: missense variant.
Genome position (GRCh38, 1-based): chr11:118,436,840, C>T. VCF-style: chr11-118436840-C-T. GRCh37 (hg19) VCF-style: chr11-118307555-C-T.
Other names: c.328C>T, p.Pro110Ser (NM_001412597.1, NM_005933.4); short protein forms P110S.
Identifiers: ClinVar variation 2964101 (VCV002964101.3), dbSNP rs782593902, ClinGen allele CA6303235.